The following is an entry in ClinVar:

GRCh37/hg19 8q24.13-24.21(chr8:127185755-128672802)

Genes: LRATD2 (LRAT domain containing 2; minus strand), PCAT1 (prostate cancer associated transcript 1; plus strand), POU5F1B (POU class 5 homeobox 1B; plus strand). Cytogenetic location: 8q24.13-24.21.
Variant type: copy number loss.
Identifiers: ClinVar variation 625635 (VCV000625635.1).

ClinVar aggregate classification (germline): Pathogenic (1 of 4 stars; one submission).

Submission:

Baylor Genetics
Classification: Pathogenic. Last evaluated: 2018-11-01. Review status: criteria provided, single submitter. Criteria: ACMG CNV Guidelines, 2011. Collection method: clinical testing. Allele origin: de novo. Observed: 1 variant allele.